The following is an entry in ClinVar:

NM_005732.4(RAD50):c.1721A>G (p.Lys574Arg)

Gene: RAD50 (RAD50 double strand break repair protein; plus strand). Cytogenetic location: 5q31.1.
Variant type: single nucleotide variant.
Coding change: c.1721A>G on transcript NM_005732.4 (MANE Select); coding-DNA position 1721, A replaced by G.
Protein change: p.Lys574Arg; replaces lysine 574 with arginine.
Molecular consequence: missense variant.
Genome position (GRCh38, 1-based): chr5:132,591,962, A>G. VCF-style: chr5-132591962-A-G. GRCh37 (hg19) VCF-style: chr5-131927654-A-G.
Other names: short protein forms K574R.
Identifiers: ClinVar variation 482106 (VCV000482106.17), dbSNP rs1386858430, ClinGen allele CA360946506.

ClinVar aggregate classification (germline): Uncertain significance. Review status: criteria provided, multiple submitters, no conflicts (2 of 4 stars). 4 submissions from 4 submitters: Uncertain significance (4). Last evaluated 2025-12-08.

Conditions:
Nijmegen breakage syndrome-like disorder (NBSLD). Also called: MICROCEPHALY AND SPONTANEOUS CHROMOSOME INSTABILITY WITHOUT IMMUNODEFICIENCY; NBS-LIKE DISORDER; RAD50 DEFICIENCY. Identifiers: Orphanet 240760, MedGen C2751318, MONDO:0013118, OMIM 613078.
Hereditary cancer-predisposing syndrome. Also called: Neoplastic Syndromes, Hereditary; Tumor predisposition; Hereditary Cancer Syndrome; Hereditary neoplastic syndrome. Identifiers: Orphanet 140162, MedGen C0027672, MeSH D009386, MONDO:0015356.

Allele frequency attached by ClinVar (database versions not stated): TOPMed below 0.00001; gnomAD 0.00001; gnomAD exomes 0.00001.
gnomAD v4.1: 4 of 1,612,564 alleles (0.00025%); highest among the groups gnomAD compares: Non-Finnish European, 0.00034%; no homozygotes.

Submissions (4):

Labcorp Genetics (formerly Invitae), Labcorp
Classification: Uncertain significance for Hereditary cancer-predisposing syndrome. Last evaluated: 2025-12-08. Review status: criteria provided, single submitter. Criteria: Invitae Variant Classification Sherloc (09022015). Collection method: clinical testing. Allele origin: germline.
Comment: This sequence change replaces lysine, which is basic and polar, with arginine, which is basic and polar, at codon 574 of the RAD50 protein (p.Lys574Arg). This variant is not present in population databases (gnomAD no frequency). This variant has not been reported in the literature in individuals affected with RAD50-related conditions. ClinVar contains an entry for this variant (Variation ID: 482106). Invitae Evidence Modeling of protein sequence and biophysical properties (such as structural, functional, and spatial information, amino acid conservation, physicochemical variation, residue mobility, and thermodynamic stability) indicates that this missense variant is not expected to disrupt RAD50 protein function with a negative predictive value of 80%. In summary, the available evidence is currently insufficient to determine the role of this variant in disease. Therefore, it has been classified as a Variant of Uncertain Significance.

Baylor Genetics
Classification: Uncertain significance for Nijmegen breakage syndrome-like disorder. Last evaluated: 2023-07-02. Review status: criteria provided, single submitter. Criteria: ACMG Guidelines, 2015. Collection method: clinical testing. Allele origin: unknown.

Ambry Genetics
Classification: Uncertain significance for Hereditary cancer-predisposing syndrome. Last evaluated: 2022-10-24. Review status: criteria provided, single submitter. Criteria: Ambry Variant Classification Scheme 2023. Collection method: clinical testing. Allele origin: germline.
Comment: The p.K574R variant (also known as c.1721A>G), located in coding exon 11 of the RAD50 gene, results from an A to G substitution at nucleotide position 1721. The lysine at codon 574 is replaced by arginine, an amino acid with highly similar properties. This amino acid position is well conserved in available vertebrate species; however, arginine is the reference amino acid in other vertebrate species. In addition, this alteration is predicted to be tolerated by in silico analysis. Since supporting evidence is limited at this time, the clinical significance of this alteration remains unclear.

Fulgent Genetics
Classification: Uncertain significance for Nijmegen breakage syndrome-like disorder. Last evaluated: 2018-10-31. Review status: criteria provided, single submitter. Criteria: ACMG Guidelines, 2015. Collection method: clinical testing. Allele origin: unknown.